The following is an entry in ClinVar:

ClinVar aggregate classification (germline): Benign/Likely benign. Review status: criteria provided, multiple submitters, no conflicts (2 of 4 stars). 2 submissions from 2 submitters: Benign (1); Likely benign (1). Last evaluated 2026-06-17.

Conditions:
Gastrointestinal stromal tumor. Also called: Gastrointestinal stromal tumor, somatic; Gastrointestinal stroma tumor. Identifiers: Orphanet 44890, MedGen C0238198, MeSH D046152, MONDO:0011719, OMIM 606764, HP:0100723.
Polyps, multiple and recurrent inflammatory fibroid, gastrointestinal. Identifiers: MedGen C5193005, MONDO:0008285, OMIM 175510.

Submissions (2):

Myriad Genetics, Inc.
Classification: Benign for Polyps, multiple and recurrent inflammatory fibroid, gastrointestinal. Last evaluated: 2026-06-17. Review status: criteria provided, single submitter. Criteria: Myriad Autosomal Dominant, Autosomal Recessive and X-Linked Classification Criteria (2023). Collection method: clinical testing. Allele origin: unknown.
Comment: This variant is considered benign. This variant is a silent/synonymous amino acid change and it is not expected to impact splicing.

Labcorp Genetics (formerly Invitae), Labcorp
Classification: Likely benign for Gastrointestinal stromal tumor. Last evaluated: 2024-08-13. Review status: criteria provided, single submitter. Criteria: Invitae Variant Classification Sherloc (09022015). Collection method: clinical testing. Allele origin: germline.

NM_006206.6(PDGFRA):c.2160T>C (p.Tyr720=)

Gene: PDGFRA (platelet derived growth factor receptor alpha; plus strand). Cytogenetic location: 4q12.
Variant type: single nucleotide variant.
Coding change: c.2160T>C on transcript NM_006206.6 (MANE Select); coding-DNA position 2160, T replaced by C.
Protein change: p.Tyr720=; no amino-acid change (tyrosine 720 retained).
Molecular consequence: synonymous variant.
Genome position (GRCh38, 1-based): chr4:54,280,319, T>C. VCF-style: chr4-54280319-T-C. GRCh37 (hg19) VCF-style: chr4-55146486-T-C.
Other names: c.2160T>C, p.Tyr720= (NM_001347827.2, NM_001347829.2); c.2235T>C, p.Tyr745= (NM_001347828.2); c.2199T>C, p.Tyr733= (NM_001347830.2).
Identifiers: ClinVar variation 760200 (VCV000760200.12), dbSNP rs1577734682, ClinGen allele CA439287533.